The following is an entry in ClinVar:

ClinVar aggregate classification (germline): Uncertain significance (0 of 4 stars; one submission).

Conditions:
Marfan syndrome (MFS). Also called: MARFAN SYNDROME, TYPE I; Marfan syndrome type 1; Marfan's syndrome; FBN1-Related Marfan Syndrome; Marfan syndrome, classic. Identifiers: Orphanet 284963, Orphanet 558, MedGen C0024796, MONDO:0007947, OMIM 154700.

Submission:

Department of Laboratory Medicine and Genetics, Samsung Medical Center
Classification: Uncertain significance for Marfan syndrome. Last evaluated: 2025-01-02. Review status: no assertion criteria provided. Collection method: clinical testing. Allele origin: germline.
Comment: The NM_000138.5:c.8449_8453del, frameshift variant is considered to be rare in the general population database (gnomAD v2.1.1). This variant is not predicted to undergo nonsense-mediated decay and removes less than 10% of protein. In summary, the available evidence is currently insufficient to evaluate the pathogenicity of this variant, resulting its classification as a variant of uncertain significance (PVS1_M, PM2_P).

NM_000138.5(FBN1):c.8449_8453del (p.Phe2817fs)

Gene: FBN1 (fibrillin 1; minus strand). Cytogenetic location: 15q21.1.
Variant type: Deletion.
Coding change: c.8449_8453del on transcript NM_000138.5 (MANE Select); coding-DNA positions 8449 to 8453, 5 bases deleted (TTCAC; older notation c.8449_8453delTTCAC).
Protein change: p.Phe2817fs; shifts the reading frame from phenylalanine 2817.
Molecular consequence: frameshift variant.
Genome position (GRCh38, 1-based): chr15:48,411,153-48,411,157, GTGAA deleted on the plus strand (TTCAC on the coding strand, the reverse complement: FBN1 is on the minus strand); deleting any 5 consecutive bases within chr15:48,411,153-48,411,160 gives the same sequence; the c. name uses the placement nearest the transcript's 3' end. VCF-style (leftmost placement, unchanged base first): chr15-48411152-TGTGAA-T. GRCh37 (hg19) VCF-style: chr15-48703349-TGTGAA-T.
Other names: c.8449_8453del, p.Phe2817fs (NM_001406716.1); short protein forms F2817fs.
Identifiers: ClinVar variation 3600263 (VCV003600263.1).